The following is an entry in ClinVar:

ClinVar aggregate classification (germline): Uncertain significance (1 of 4 stars; one submission).

Conditions:
X-linked myopathy with postural muscle atrophy. Also called: FHL1-Related Emery-Dreifuss Muscular Dystrophy, X-Linked. Identifiers: Orphanet 178461, MedGen C2678055, MONDO:0010401, OMIM 300696.

Submission:

Labcorp Genetics (formerly Invitae), Labcorp
Classification: Uncertain significance for X-linked myopathy with postural muscle atrophy. Last evaluated: 2024-06-30. Review status: criteria provided, single submitter. Criteria: Invitae Variant Classification Sherloc (09022015). Collection method: clinical testing. Allele origin: germline.
Comment: This sequence change replaces lysine, which is basic and polar, with arginine, which is basic and polar, at codon 262 of the FHL1 protein (p.Lys262Arg). This variant is not present in population databases (gnomAD no frequency). This variant has not been reported in the literature in individuals affected with FHL1-related conditions. An algorithm developed to predict the effect of missense changes on protein structure and function (PolyPhen-2) suggests that this variant is likely to be tolerated. In summary, the available evidence is currently insufficient to determine the role of this variant in disease. Therefore, it has been classified as a Variant of Uncertain Significance.

NM_001159699.2(FHL1):c.833A>G (p.Lys278Arg)

Gene: FHL1 (four and a half LIM domains 1; plus strand). Cytogenetic location: Xq26.3.
Variant type: single nucleotide variant.
Coding change: c.833A>G on transcript NM_001159699.2 (MANE Select); coding-DNA position 833, A replaced by G.
Protein change: p.Lys278Arg; replaces lysine 278 with arginine.
Molecular consequence: missense variant. On other transcripts: 3 prime UTR variant (6), non-coding transcript variant (1).
Genome position (GRCh38, 1-based): chrX:136,209,967, A>G. VCF-style: chrX-136209967-A-G. GRCh37 (hg19) VCF-style: chrX-135292126-A-G.
Other names: c.785A>G, p.Lys262Arg (NM_001159700.2, NM_001159704.1, NM_001167819.1 and 4 more transcripts); c.872A>G, p.Lys291Arg (NM_001159701.2); c.*13A>G (NM_001159702.3, NM_001159703.2, NM_001330659.2 and 3 more transcripts); short protein forms K291R, K262R, K278R.
Identifiers: ClinVar variation 3658272 (VCV003658272.2).